The following is an entry in ClinVar:

ClinVar aggregate classification (germline): Uncertain significance. Review status: criteria provided, multiple submitters, no conflicts (2 of 4 stars). 2 submissions from 2 submitters: Uncertain significance (2). Last evaluated 2023-11-17.

Conditions:
Hereditary cancer-predisposing syndrome. Also called: Neoplastic Syndromes, Hereditary; Tumor predisposition; Hereditary neoplastic syndrome; Hereditary Cancer Syndrome. Identifiers: Orphanet 140162, MedGen C0027672, MeSH D009386, MONDO:0015356.
Familial adenomatous polyposis 1 (FAP1). Also called: FAMILIAL ADENOMATOUS POLYPOSIS 1, ATTENUATED; POLYPOSIS, ADENOMATOUS INTESTINAL. Identifiers: MedGen C2713442, MONDO:0021056, OMIM 175100. Disease mechanism: loss of function.

Submissions (2):

Ambry Genetics
Classification: Uncertain significance for Hereditary cancer-predisposing syndrome. Last evaluated: 2023-11-17. Review status: criteria provided, single submitter. Criteria: Ambry Variant Classification Scheme 2023. Collection method: clinical testing. Allele origin: germline.
Comment: The p.H712D variant (also known as c.2134C>G), located in coding exon 15 of the APC gene, results from a C to G substitution at nucleotide position 2134. The histidine at codon 712 is replaced by aspartic acid, an amino acid with similar properties. This amino acid position is highly conserved in available vertebrate species. In addition, in silico predictors for this gene do not accurately predict pathogenicity. Since supporting evidence is limited at this time, the clinical significance of this alteration remains unclear.

Labcorp Genetics (formerly Invitae), Labcorp
Classification: Uncertain significance for Familial adenomatous polyposis 1. Last evaluated: 2021-10-06. Review status: criteria provided, single submitter. Criteria: Invitae Variant Classification Sherloc (09022015). Collection method: clinical testing. Allele origin: germline.
Comment: This variant is not present in population databases (ExAC no frequency). This sequence change replaces histidine with aspartic acid at codon 712 of the APC protein (p.His712Asp). The histidine residue is highly conserved and there is a moderate physicochemical difference between histidine and aspartic acid. This variant has not been reported in the literature in individuals with APC-related conditions. In summary, the available evidence is currently insufficient to determine the role of this variant in disease. Therefore, it has been classified as a Variant of Uncertain Significance. Algorithms developed to predict the effect of missense changes on protein structure and function (SIFT, PolyPhen-2, Align-GVGD) all suggest that this variant is likely to be disruptive, but these predictions have not been confirmed by published functional studies and their clinical significance is uncertain.

NM_000038.6(APC):c.2134C>G (p.His712Asp)

Gene: APC (APC regulator of Wnt signaling pathway; plus strand). Cytogenetic location: 5q22.2.
Variant type: single nucleotide variant.
Coding change: c.2134C>G on transcript NM_000038.6 (MANE Select); coding-DNA position 2134, C replaced by G.
Protein change: p.His712Asp; replaces histidine 712 with aspartic acid.
Molecular consequence: missense variant.
Genome position (GRCh38, 1-based): chr5:112,837,728, C>G. VCF-style: chr5-112837728-C-G. GRCh37 (hg19) VCF-style: chr5-112173425-C-G.
Other names: c.2134C>G, p.His712Asp (NM_001127510.3, NM_001354895.2); c.2080C>G, p.His694Asp (NM_001127511.3); c.2188C>G, p.His730Asp (NM_001354896.2); c.2164C>G, p.His722Asp (NM_001354897.2); c.2059C>G, p.His687Asp (NM_001354898.2); c.2050C>G, p.His684Asp (NM_001354899.2); c.2011C>G, p.His671Asp (NM_001354900.2); c.1957C>G, p.His653Asp (NM_001354901.2); and 6 more; short protein forms H671D, H722D, H552D, H611D, H621D, H684D, H712D, H730D.
Identifiers: ClinVar variation 1387787 (VCV001387787.7), dbSNP rs1561575100, ClinGen allele CA16025997.